The following is an entry in ClinVar:

ClinVar aggregate classification (germline): Uncertain significance (1 of 4 stars; one submission).

gnomAD v4.1: 1 of 1,612,760 alleles (0.000062%); highest among the groups gnomAD compares: South Asian, 0.0011%; no homozygotes.

Submission:

GeneDx
Classification: Uncertain significance. Last evaluated: 2025-07-21. Review status: criteria provided, single submitter. Criteria: GeneDx Variant Classification Process June 2021. Collection method: clinical testing. Allele origin: germline. Affected: yes.
Comment: Not observed at significant frequency in large population cohorts (gnomAD); In silico analysis supports that this missense variant has a deleterious effect on protein structure/function; Has not been previously published as pathogenic or benign to our knowledge

NM_005085.4(NUP214):c.2905C>G (p.Arg969Gly)

Gene: NUP214 (nucleoporin 214; plus strand). Cytogenetic location: 9q34.13.
Variant type: single nucleotide variant.
Coding change: c.2905C>G on transcript NM_005085.4 (MANE Select); coding-DNA position 2905, C replaced by G.
Protein change: p.Arg969Gly; replaces arginine 969 with glycine.
Molecular consequence: missense variant.
Genome position (GRCh38, 1-based): chr9:131,174,066, C>G. VCF-style: chr9-131174066-C-G. GRCh37 (hg19) VCF-style: chr9-134049453-C-G.
Other names: c.2875C>G, p.Arg959Gly (NM_001318324.2); short protein forms R959G, R969G.
Identifiers: ClinVar variation 4687008 (VCV004687008.1).